The following is an entry in ClinVar:

ClinVar aggregate classification (germline): Uncertain significance. Review status: criteria provided, multiple submitters, no conflicts (2 of 4 stars). 2 submissions from 2 submitters: Uncertain significance (2). Last evaluated 2021-08-24.

Conditions:
Majeed syndrome (MJDS). Also called: LPIN2-Related Majeed Syndrome; CHRONIC RECURRENT MULTIFOCAL OSTEOMYELITIS 1, WITH CONGENITAL DYSERYTHROPOIETIC ANEMIA, WITH OR WITHOUT NEUTROPHILIC DERMATOSIS. Identifiers: Orphanet 77297, MedGen C1864997, MONDO:0012316, OMIM 609628.

Submissions (2):

Labcorp Genetics (formerly Invitae), Labcorp
Classification: Uncertain significance for Majeed syndrome. Last evaluated: 2021-08-24. Review status: criteria provided, single submitter. Criteria: Invitae Variant Classification Sherloc (09022015). Collection method: clinical testing. Allele origin: germline.
Comment: This sequence change replaces glutamine with histidine at codon 803 of the LPIN2 protein (p.Gln803His). The glutamine residue is moderately conserved and there is a small physicochemical difference between glutamine and histidine. This variant is not present in population databases (ExAC no frequency). This variant has not been reported in the literature in individuals affected with LPIN2-related conditions. ClinVar contains an entry for this variant (Variation ID: 234342). Algorithms developed to predict the effect of missense changes on protein structure and function (SIFT, PolyPhen-2, Align-GVGD) all suggest that this variant is likely to be tolerated. In summary, the available evidence is currently insufficient to determine the role of this variant in disease. Therefore, it has been classified as a Variant of Uncertain Significance.

GeneDx
Classification: Uncertain significance. Last evaluated: 2017-05-26. Review status: criteria provided, single submitter. Criteria: GeneDx Variant Classification (06012015). Collection method: clinical testing. Allele origin: germline. Affected: yes.
Comment: To our knowledge, the Q803H missense substitution in the LPIN2 gene has neither been published as a mutation, nor reported as a benign polymorphism. Q803H represents a non-conservative amino acid substitution as a neutral, polar Glutamine amino acid is replaced with a positively-charged Histidine amino acid. In addition, this substitution occurs at a position in the LPIN2 protein that is well-conserved in mammalian species. However, as the clinical information regarding LPIN2 variants is limited, it is unclear whether Q803H is a disease-associated mutation or a rare, benign polymorphism.

NM_001375808.2(LPIN2):c.2409G>C (p.Gln803His)

Gene: LPIN2 (lipin 2; minus strand). Cytogenetic location: 18p11.31.
Variant type: single nucleotide variant.
Coding change: c.2409G>C on transcript NM_001375808.2 (MANE Select); coding-DNA position 2409, G replaced by C.
Protein change: p.Gln803His; replaces glutamine 803 with histidine.
Molecular consequence: missense variant.
Genome position (GRCh38, 1-based): chr18:2,921,566, C>G on the plus strand (G>C on the coding strand, the complement: LPIN2 is on the minus strand). VCF-style: chr18-2921566-C-G. GRCh37 (hg19) VCF-style: chr18-2921564-C-G.
Other names: c.2409G>C, p.Gln803His (NM_001375809.1, NM_014646.2); short protein forms Q803H.
Identifiers: ClinVar variation 234342 (VCV000234342.7), dbSNP rs876660987, ClinGen allele CA10577581.